The following is an entry in ClinVar:

ClinVar aggregate classification (germline): Uncertain significance. Review status: criteria provided, multiple submitters, no conflicts (2 of 4 stars). 2 submissions from 2 submitters: Uncertain significance (2). Last evaluated 2026-03-17.

Conditions:
DNAH11-related disorder. Also called: DNAH11-related condition.
Primary ciliary dyskinesia. Also called: Ciliary dyskinesia. Identifiers: Orphanet 244, MedGen C0008780, MONDO:0016575, HP:0012265.

Allele frequency attached by ClinVar (database versions not stated): gnomAD 0.00001; TOPMed 0.00001.
gnomAD v4.1: 2 of 1,613,346 alleles (0.00012%); highest among the groups gnomAD compares: Admixed American, 0.0017%; no homozygotes.

Submissions (2):

PreventionGenetics, part of Exact Sciences
Classification: Uncertain significance for DNAH11-related condition. Last evaluated: 2026-03-17. Review status: criteria provided, single submitter. Criteria: ACMG Guidelines, 2015. Collection method: clinical testing. Allele origin: germline.
Comment: The DNAH11 c.4029G>C variant is predicted to result in the amino acid substitution p.Trp1343Cys. To our knowledge, this variant has not been reported in the literature or in a large population database (gnomAD), indicating this variant is rare. At this time, the clinical significance of this variant is uncertain due to the absence of conclusive functional and genetic evidence.

Labcorp Genetics (formerly Invitae), Labcorp
Classification: Uncertain significance for Primary ciliary dyskinesia. Last evaluated: 2023-06-17. Review status: criteria provided, single submitter. Criteria: Invitae Variant Classification Sherloc (09022015). Collection method: clinical testing. Allele origin: germline.
Comment: Advanced modeling of protein sequence and biophysical properties (such as structural, functional, and spatial information, amino acid conservation, physicochemical variation, residue mobility, and thermodynamic stability) performed at Invitae indicates that this missense variant is not expected to disrupt DNAH11 protein function. This variant has not been reported in the literature in individuals affected with DNAH11-related conditions. This variant is not present in population databases (gnomAD no frequency). This sequence change replaces tryptophan, which is neutral and slightly polar, with cysteine, which is neutral and slightly polar, at codon 1343 of the DNAH11 protein (p.Trp1343Cys). In summary, the available evidence is currently insufficient to determine the role of this variant in disease. Therefore, it has been classified as a Variant of Uncertain Significance.

NM_001277115.2(DNAH11):c.4029G>C (p.Trp1343Cys)

Gene: DNAH11 (dynein axonemal heavy chain 11; plus strand). Cytogenetic location: 7p15.3.
Variant type: single nucleotide variant.
Coding change: c.4029G>C on transcript NM_001277115.2 (MANE Select); coding-DNA position 4029, G replaced by C.
Protein change: p.Trp1343Cys; replaces tryptophan 1343 with cysteine.
Molecular consequence: missense variant.
Genome position (GRCh38, 1-based): chr7:21,616,226, G>C. VCF-style: chr7-21616226-G-C. GRCh37 (hg19) VCF-style: chr7-21655844-G-C.
Other names: c.4029G>C (NM_001277115.1); c.4029G>C, p.Trp1343Cys (NM_003777.3); short protein forms W1343C.
Identifiers: ClinVar variation 2723367 (VCV002723367.4), dbSNP rs1785776846, ClinGen allele CA366951413.